The following is an entry in ClinVar:

NM_015338.6(ASXL1):c.3058G>A (p.Glu1020Lys)

Gene: ASXL1 (ASXL transcriptional regulator 1; plus strand). Cytogenetic location: 20q11.21.
Variant type: single nucleotide variant.
Coding change: c.3058G>A on transcript NM_015338.6 (MANE Select); coding-DNA position 3058, G replaced by A.
Protein change: p.Glu1020Lys; replaces glutamic acid 1020 with lysine.
Molecular consequence: missense variant.
Genome position (GRCh38, 1-based): chr20:32,435,770, G>A. VCF-style: chr20-32435770-G-A. GRCh37 (hg19) VCF-style: chr20-31023573-G-A.
Other names: c.2875G>A, p.Glu959Lys (NM_001363734.1); short protein forms E959K, E1020K.
Identifiers: ClinVar variation 3957910 (VCV003957910.1).

ClinVar aggregate classification (germline): Uncertain significance (1 of 4 stars; one submission).

Conditions:
Inborn genetic diseases. Identifiers: MedGen C0950123, MeSH D030342.

gnomAD v4.1: 1 of 1,614,232 alleles (0.000062%); highest among the groups gnomAD compares: Non-Finnish European, 0.000085%; no homozygotes.

Submission:

Ambry Genetics
Classification: Uncertain significance for Inborn genetic diseases. Last evaluated: 2025-06-14. Review status: criteria provided, single submitter. Criteria: Ambry Variant Classification Scheme 2023. Collection method: clinical testing. Allele origin: germline.
Comment: The p.E1020K variant (also known as c.3058G>A), located in coding exon 13 of the ASXL1 gene, results from a G to A substitution at nucleotide position 3058. The glutamic acid at codon 1020 is replaced by lysine, an amino acid with similar properties. This amino acid position is conserved. In addition, this alteration is predicted to be tolerated by in silico analysis. Based on the available evidence, the clinical significance of this variant remains unclear.